The following continues an entry in ClinVar:

NM_000372.5(TYR):c.649C>T (p.Arg217Trp)

Gene: TYR. ClinVar aggregate classification (germline): Conflicting classifications of pathogenicity. Pathogenic (15); Likely pathogenic (4); Uncertain significance (1).

Submissions 14 to 23 of 23:

Genome-Nilou Lab
Classification: Likely pathogenic for Oculocutaneous albinism type 1A. Last evaluated: 2021-07-22. Review status: criteria provided, single submitter. Criteria: ACMG Guidelines, 2015. Collection method: clinical testing. Allele origin: germline. Affected: no.

Hadassah Hebrew University Medical Center
Classification: Pathogenic for Albinism, oculocutaneous, type IA. Last evaluated: 2019-06-20. Review status: criteria provided, single submitter. Criteria: ACMG Guidelines, 2015. Collection method: clinical testing. Allele origin: germline. Affected: yes.

Baylor Genetics
Classification: Uncertain significance for Oculocutaneous albinism type 1B. Last evaluated: 2019-04-11. Review status: criteria provided, single submitter. Criteria: ACMG Guidelines, 2015. Collection method: clinical testing. Allele origin: unknown. Affected: yes.
Comment: This variant was determined to be of uncertain significance according to ACMG Guidelines, 2015 [PMID:25741868]. These variants have been previously reported as disease-causing [PMID 1642278, 28266639, 1903591, 27775880, 25333069, 21906913, 28667292, 24123366, 9242509, 11284711, 1429711]

Fulgent Genetics
Classification: Likely pathogenic for Oculocutaneous albinism type 1A; SKIN/HAIR/EYE PIGMENTATION 3, LIGHT/DARK SKIN; Oculocutaneous albinism type 1B. Last evaluated: 2018-10-31. Review status: criteria provided, single submitter. Criteria: ACMG Guidelines, 2015. Collection method: clinical testing. Allele origin: unknown.

Hadassah Hebrew University Medical Center
Classification: Pathogenic for Oculocutaneous albinism type 1A; Oculocutaneous albinism type 1B. Review status: criteria provided, single submitter. Criteria: ACMG Guidelines, 2015. Collection method: research. Allele origin: germline. Affected: no. Observed: 2 variant alleles.

Juno Genomics, Hangzhou Juno Genomics, Inc
Classification: Pathogenic for Oculocutaneous albinism type 1A; Oculocutaneous albinism type 1B. Review status: criteria provided, single submitter. Criteria: ACMG Guidelines, 2015. Collection method: clinical testing. Allele origin: germline. Affected: yes.
Comment: Absent from controls (or at extremely low frequency if recessive) in Genome Aggregation Database, Exome Sequencing Project, 1000 Genomes Project, or Exome Aggregation Consortium.;For recessive disorders, detected in trans with a pathogenic variant.;Patient's phenotype or family history is highly specific for a disease with a single genetic etiology.

Kariminejad - Najmabadi Pathology & Genetics Center
Classification: Pathogenic for Oculocutaneous albinism type 1A. Review status: criteria provided, single submitter. Criteria: ACMG Guidelines, 2015. Collection method: clinical testing. Allele origin: germline. Affected: no.

University of Washington Center for Mendelian Genomics, University of Washington
Classification: Likely pathogenic for Nonsyndromic Oculocutaneous Albinism. Last evaluated: 2017-03-07. Review status: no assertion criteria provided. Collection method: research. Allele origin: unknown. Affected: yes. Observed: 5 homozygotes. Not counted in ClinVar's aggregate classification.

OMIM
Classification: Pathogenic for ALBINISM, OCULOCUTANEOUS, TYPE IA. Last evaluated: 1992-07-15. Review status: no assertion criteria provided. Collection method: literature only. Allele origin: germline. Not counted in ClinVar's aggregate classification.

Retina International
No classification provided. Review status: no classification provided. Collection method: not provided. Allele origin: not provided. Not counted in ClinVar's aggregate classification.

Literature cited by the submitters: PubMed 1642278 (cited by 6 submitters); PubMed 10987646 (cited by Labcorp Genetics (formerly Invitae), Labcorp and Dasa); PubMed 27734839 (cited by Labcorp Genetics (formerly Invitae), Labcorp and Dasa); PubMed 28266639 (cited by 5 submitters); PubMed 29345414 (cited by Women's Health and Genetics/Laboratory Corporation of America, LabCorp); PubMed 33223529 (cited by Hadassah Hebrew University Medical Center); PubMed 1903591 (cited by Baylor Genetics); PubMed 27775880 (cited by Baylor Genetics); PubMed 25333069 (cited by Baylor Genetics); PubMed 21906913 (cited by Baylor Genetics); PubMed 28667292 (cited by Baylor Genetics); PubMed 24123366 (cited by Baylor Genetics); PubMed 9242509 (cited by Baylor Genetics); PubMed 11284711 (cited by Baylor Genetics); PubMed 1429711 (cited by Baylor Genetics).